The following is an entry in ClinVar:

ClinVar aggregate classification (germline): Uncertain significance (1 of 4 stars; one submission).

Conditions:
Cardiovascular phenotype. Identifiers: MedGen CN230736.

Submission:

Ambry Genetics
Classification: Uncertain significance for Cardiovascular phenotype. Last evaluated: 2024-01-05. Review status: criteria provided, single submitter. Criteria: Ambry Variant Classification Scheme 2023. Collection method: clinical testing. Allele origin: germline.
Comment: The p.Q823R variant (also known as c.2468A>G), located in coding exon 8 of the ALMS1 gene, results from an A to G substitution at nucleotide position 2468. The glutamine at codon 823 is replaced by arginine, an amino acid with highly similar properties. This amino acid position is well conserved in available vertebrate species; however, arginine is the reference amino acid in other vertebrate species. In addition, this alteration is predicted to be tolerated by in silico analysis. Since supporting evidence is limited at this time, the clinical significance of this alteration remains unclear.

NM_001378454.1(ALMS1):c.2465A>G (p.Gln822Arg)

Gene: ALMS1 (ALMS1 centrosome and basal body associated protein; plus strand). Cytogenetic location: 2p13.1.
Variant type: single nucleotide variant.
Coding change: c.2465A>G on transcript NM_001378454.1 (MANE Select); coding-DNA position 2465, A replaced by G.
Protein change: p.Gln822Arg; replaces glutamine 822 with arginine.
Molecular consequence: missense variant.
Genome position (GRCh38, 1-based): chr2:73,448,992, A>G. VCF-style: chr2-73448992-A-G. GRCh37 (hg19) VCF-style: chr2-73676119-A-G.
Other names: c.2468A>G, p.Gln823Arg (NM_015120.4); short protein forms Q822R, Q823R.
Identifiers: ClinVar variation 1791712 (VCV001791712.2), dbSNP rs749834647, ClinGen allele CA347270190.